The following is an entry in ClinVar:

NM_003136.4(SRP54):c.271G>A (p.Val91Ile)

Gene: SRP54 (signal recognition particle 54; plus strand). Cytogenetic location: 14q13.2.
Variant type: single nucleotide variant.
Coding change: c.271G>A on transcript NM_003136.4 (MANE Select); coding-DNA position 271, G replaced by A.
Protein change: p.Val91Ile; replaces valine 91 with isoleucine.
Molecular consequence: missense variant.
Genome position (GRCh38, 1-based): chr14:35,007,298, G>A. VCF-style: chr14-35007298-G-A. GRCh37 (hg19) VCF-style: chr14-35476504-G-A.
Other names: c.124G>A, p.Val42Ile (NM_001146282.2); c.271G>A, p.Val91Ile (NM_001411017.1); short protein forms V42I, V91I.
Identifiers: ClinVar variation 3449374 (VCV003449374.2).
Genomic context (GRCh38, chr14:35,007,298, plus strand): 5'-TGTATGTTAACCTGATTTTATTTTTAATTTATTTTTGGTATTTAGCTTGTAGACCCTGGA[G>A]TTAAGGCATGGACACCCACTAAAGGAAAACAAAATGTGATTATGTTTGTTGGATTGCAAG-3'
Protein context (NP_003127.1, residues 81-101): KELVKLVDPG[Val91Ile]KAWTPTKGKQ

ClinVar aggregate classification (germline): Uncertain significance. Review status: criteria provided, multiple submitters, no conflicts (2 of 4 stars). 2 submissions from 2 submitters: Uncertain significance (2). Last evaluated 2025-11-04.

Conditions:
Inborn genetic diseases. Identifiers: MedGen C0950123, MeSH D030342.

gnomAD v4.1: 2 of 1,587,770 alleles (0.00013%); highest among the groups gnomAD compares: Non-Finnish European, 0.00017%; no homozygotes.

Submissions (2):

Labcorp Genetics (formerly Invitae), Labcorp
Classification: Uncertain significance. Last evaluated: 2025-11-04. Review status: criteria provided, single submitter. Criteria: Invitae Variant Classification Sherloc (09022015). Collection method: clinical testing. Allele origin: germline.
Comment: This sequence change replaces valine, which is neutral and non-polar, with isoleucine, which is neutral and non-polar, at codon 91 of the SRP54 protein (p.Val91Ile). This variant is not present in population databases (gnomAD no frequency). This variant has not been reported in the literature in individuals affected with SRP54-related conditions. ClinVar contains an entry for this variant (Variation ID: 3449374). Invitae Evidence Modeling of protein sequence and biophysical properties (such as structural, functional, and spatial information, amino acid conservation, physicochemical variation, residue mobility, and thermodynamic stability) indicates that this missense variant is not expected to disrupt SRP54 protein function with a negative predictive value of 80%. In summary, the available evidence is currently insufficient to determine the role of this variant in disease. Therefore, it has been classified as a Variant of Uncertain Significance.

Ambry Genetics
Classification: Uncertain significance for Inborn genetic diseases. Last evaluated: 2024-10-04. Review status: criteria provided, single submitter. Criteria: Ambry Variant Classification Scheme 2023. Collection method: clinical testing. Allele origin: germline.